The following is an entry in ClinVar:

ClinVar aggregate classification (germline): Uncertain significance. Review status: reviewed by expert panel (3 of 4 stars). 5 submissions from 5 submitters: Uncertain significance (1). 4 of the submissions do not count toward it. Last evaluated 2025-02-25.

Conditions:
DICER1-related tumor predisposition. Also called: DICER1-related pleuropulmonary blastoma cancer predisposition syndrome; DICER1 syndrome. Identifiers: Orphanet 284343, MedGen C3839822, MONDO:0100216.
Hereditary cancer-predisposing syndrome. Also called: Neoplastic Syndromes, Hereditary; Hereditary Cancer Syndrome; Hereditary neoplastic syndrome; Tumor predisposition. Identifiers: Orphanet 140162, MedGen C0027672, MeSH D009386, MONDO:0015356.

Allele frequency attached by ClinVar (database versions not stated): gnomAD exomes below 0.00001 and 0.00001; gnomAD 0.00001; TOPMed 0.00001.
gnomAD v4.1: 11 of 1,613,836 alleles (0.00068%); highest among the groups gnomAD compares: African/African-American, 0.0013%; no homozygotes.

Submissions (5):

ClinGen DICER1 and miRNA-Processing Gene Variant Curation Expert Panel, ClinGen
Classification: Uncertain significance for DICER1-related tumor predisposition. Last evaluated: 2025-02-25. Review status: reviewed by expert panel. Criteria: ClinGen DICER1 ACMG Specifications DICER1 V1.3.0. Collection method: curation. Allele origin: germline. Inheritance: Autosomal dominant inheritance.
Comment: The NM_177438.2:c.5552G>A variant in DICER1 is a missense variant predicted to cause substitution of Arginine by Histidine at amino acid 1851 (p.Arg1851His). Although this variant has been observed in germline cases, to our knowledge, this variant has not been reported in individuals with DICER1-related tumor predisposition (PS4 not met; Internal lab contributors). The highest population minor allele frequency in gnomAD v.4 is 000008475 (10/1179966 alleles) in the European (non-Finnish) population (PM2_Supporting, BS1, and BA1 are not met). The computational predictor REVEL gives a score of 0.364, which is below the threshold of 0.5, and the splice site predictors MaxEntScan and SpliceAI indicate that the variant has no impact on splicing, evidence that does not predict a damaging effect on DICER1 function (BP4). In summary, this variant meets the criteria to be classified as Uncertain Significance for DICER1 syndrome based on the ACMG/AMP criteria applied, as specified by the ClinGen DICER1 VCEP: BP4. (Bayesian Points: -1; VCEP specifications version 1.3.0; 02/25/2025)

Center for Genomic Medicine, Rigshospitalet, Copenhagen University Hospital
Classification: Uncertain significance. Last evaluated: 2025-12-29. Review status: criteria provided, single submitter. Criteria: ACMG Guidelines, 2015. Collection method: clinical testing. Allele origin: germline. Not counted in ClinVar's aggregate classification.

Labcorp Genetics (formerly Invitae), Labcorp
Classification: Uncertain significance for DICER1-related tumor predisposition. Last evaluated: 2025-10-06. Review status: criteria provided, single submitter. Criteria: Invitae Variant Classification Sherloc (09022015). Collection method: clinical testing. Allele origin: germline. Not counted in ClinVar's aggregate classification.
Comment: This sequence change replaces arginine, which is basic and polar, with histidine, which is basic and polar, at codon 1851 of the DICER1 protein (p.Arg1851His). This variant is present in population databases (no rsID available, gnomAD 0.004%). This variant has not been reported in the literature in individuals affected with DICER1-related conditions. ClinVar contains an entry for this variant (Variation ID: 825824). Invitae Evidence Modeling of protein sequence and biophysical properties (such as structural, functional, and spatial information, amino acid conservation, physicochemical variation, residue mobility, and thermodynamic stability) indicates that this missense variant is not expected to disrupt DICER1 protein function with a negative predictive value of 95%. In summary, the available evidence is currently insufficient to determine the role of this variant in disease. Therefore, it has been classified as a Variant of Uncertain Significance.

Ambry Genetics
Classification: Uncertain significance for Hereditary cancer-predisposing syndrome. Last evaluated: 2024-10-17. Review status: criteria provided, single submitter. Criteria: Ambry Variant Classification Scheme 2023. Collection method: clinical testing. Allele origin: germline. Not counted in ClinVar's aggregate classification.
Comment: The p.R1851H variant (also known as c.5552G>A), located in coding exon 25 of the DICER1 gene, results from a G to A substitution at nucleotide position 5552. The arginine at codon 1851 is replaced by histidine, an amino acid with highly similar properties. This amino acid position is highly conserved in available vertebrate species. In addition, this alteration is predicted to be tolerated by in silico analysis. Since supporting evidence is limited at this time, the clinical significance of this alteration remains unclear.

Institute for Clinical Genetics, University Hospital TU Dresden, University Hospital TU Dresden
Classification: Uncertain significance. Last evaluated: 2021-11-03. Review status: criteria provided, single submitter. Criteria: ACMG Guidelines, 2015. Collection method: clinical testing. Allele origin: germline. Not counted in ClinVar's aggregate classification.

NM_177438.3(DICER1):c.5552G>A (p.Arg1851His)

Gene: DICER1 (dicer 1, ribonuclease III; minus strand). Cytogenetic location: 14q32.13.
Variant type: single nucleotide variant.
Coding change: c.5552G>A on transcript NM_177438.3 (MANE Select); coding-DNA position 5552, G replaced by A.
Protein change: p.Arg1851His; replaces arginine 1851 with histidine.
Molecular consequence: missense variant.
Genome position (GRCh38, 1-based): chr14:95,091,085, C>T on the plus strand (G>A on the coding strand, the complement: DICER1 is on the minus strand). VCF-style: chr14-95091085-C-T. GRCh37 (hg19) VCF-style: chr14-95557422-C-T.
Other names: NM_177438.3(DICER1):c.5552G>A; p.Arg1851His; c.5389G>A, p.Val1797Ile (NM_001195573.1); c.5552G>A, p.Arg1851His (NM_001271282.3, NM_001291628.2, NM_030621.4); short protein forms R1851H, V1797I.
Identifiers: ClinVar variation 825824 (VCV000825824.21), dbSNP rs1426678586, ClinGen allele CA390864315.